The following is an entry in ClinVar:

NM_183357.3(ADCY5):c.400G>A (p.Gly134Ser)

Gene: ADCY5 (adenylate cyclase 5; minus strand). Cytogenetic location: 3q21.1.
Variant type: single nucleotide variant.
Coding change: c.400G>A on transcript NM_183357.3 (MANE Select); coding-DNA position 400, G replaced by A.
Protein change: p.Gly134Ser; replaces glycine 134 with serine.
Molecular consequence: missense variant.
Genome position (GRCh38, 1-based): chr3:123,448,146, C>T on the plus strand (G>A on the coding strand, the complement: ADCY5 is on the minus strand). VCF-style: chr3-123448146-C-T. GRCh37 (hg19) VCF-style: chr3-123166993-C-T.
Other names: c.400G>A, p.Gly134Ser (NM_001378259.1); short protein forms G134S.
Identifiers: ClinVar variation 1031781 (VCV001031781.13), dbSNP rs988224463, ClinGen allele CA82636239.

ClinVar aggregate classification (germline): Conflicting classifications of pathogenicity. Review status: criteria provided, conflicting classifications (1 of 4 stars). 7 submissions from 7 submitters: Uncertain significance (5); Likely benign (2). Last evaluated 2026-08-01.

Conditions:
Inborn genetic diseases. Identifiers: MedGen C0950123, MeSH D030342.
Dyskinesia with orofacial involvement, autosomal dominant (DSKOD). Also called: Dyskinesia, familial, with facial myokymia; Familial dyskinesia and facial myokymia; Familial Dyskinesia with Facial Myokymia (FDFM). Identifiers: Orphanet 324588, MedGen C1847627, MONDO:0800028, OMIM 606703.
Dyskinesia with orofacial involvement, autosomal recessive. Identifiers: MedGen C5562036, MONDO:0030625, OMIM 619647.
Neurodevelopmental disorder with hyperkinetic movements and dyskinesia. Identifiers: MedGen C5562038, MONDO:0859211, OMIM 619651.

Allele frequency attached by ClinVar (database versions not stated): 1000 Genomes Project 30x 0.00047; gnomAD 0.00012 and 0.00017; TOPMed 0.00031.
gnomAD v4.1: 53 of 1,030,902 alleles (0.0051%); highest among the groups gnomAD compares: Admixed American, 0.16%; 1 homozygote.

Submissions (7):

CeGaT Center for Human Genetics Tuebingen
Classification: Likely benign. Last evaluated: 2026-08-01. Review status: criteria provided, single submitter. Criteria: CeGaT Center For Human Genetics Tuebingen Variant Classification Criteria Version 2. Collection method: clinical testing. Allele origin: germline. Affected: yes. Observed: 1 variant allele.
Comment: ADCY5: BS2

Labcorp Genetics (formerly Invitae), Labcorp
Classification: Likely benign. Last evaluated: 2026-01-15. Review status: criteria provided, single submitter. Criteria: Invitae Variant Classification Sherloc (09022015). Collection method: clinical testing. Allele origin: germline.

Ambry Genetics
Classification: Uncertain significance for Inborn genetic diseases. Last evaluated: 2022-09-27. Review status: criteria provided, single submitter. Criteria: Ambry Variant Classification Scheme 2023. Collection method: clinical testing. Allele origin: germline.

Revvity Omics, Revvity
Classification: Uncertain significance. Last evaluated: 2022-01-26. Review status: criteria provided, single submitter. Criteria: ACMG Guidelines, 2015. Collection method: clinical testing. Allele origin: germline.

Fulgent Genetics
Classification: Uncertain significance for Dyskinesia with orofacial involvement, autosomal dominant; Dyskinesia with orofacial involvement, autosomal recessive; Neurodevelopmental disorder with hyperkinetic movements and dyskinesia. Last evaluated: 2021-12-02. Review status: criteria provided, single submitter. Criteria: ACMG Guidelines, 2015. Collection method: clinical testing. Allele origin: unknown.

GeneDx
Classification: Uncertain significance. Last evaluated: 2020-03-09. Review status: criteria provided, single submitter. Criteria: GeneDx Variant Classification Process June 2021. Collection method: clinical testing. Allele origin: germline. Affected: yes.
Comment: Not observed at a significant frequency in large population cohorts (Lek et al., 2016); In silico analysis supports that this missense variant does not alter protein structure/function; Has not been previously published as pathogenic or benign to our knowledge

Baylor Genetics
Classification: Uncertain significance for Dyskinesia with orofacial involvement, autosomal dominant. Last evaluated: 2018-10-05. Review status: criteria provided, single submitter. Criteria: ACMG Guidelines, 2015. Collection method: clinical testing. Allele origin: unknown. Affected: yes.
Comment: This variant was determined to be of uncertain significance according to ACMG Guidelines, 2015 [PMID:25741868].